The following is an entry in ClinVar:

ClinVar aggregate classification (germline): Uncertain significance (1 of 4 stars; one submission).

Allele frequency attached by ClinVar (database versions not stated): 1000 Genomes Project 30x 0.00016; 1000 Genomes Project 0.00020; ESP Exome Variant Server 0.00040.
gnomAD v4.1: 270 of 1,613,976 alleles (0.017%); highest among the groups gnomAD compares: African/African-American, 0.16%; no homozygotes.

Submission:

Labcorp Genetics (formerly Invitae), Labcorp
Classification: Uncertain significance. Last evaluated: 2022-07-27. Review status: criteria provided, single submitter. Criteria: Invitae Variant Classification Sherloc (09022015). Collection method: clinical testing. Allele origin: germline.
Comment: This sequence change replaces valine, which is neutral and non-polar, with isoleucine, which is neutral and non-polar, at codon 1985 of the LRRK1 protein (p.Val1985Ile). This variant is present in population databases (rs200452795, gnomAD 0.1%). This variant has not been reported in the literature in individuals affected with LRRK1-related conditions. ClinVar contains an entry for this variant (Variation ID: 1520116). Algorithms developed to predict the effect of missense changes on protein structure and function are either unavailable or do not agree on the potential impact of this missense change (SIFT: "Deleterious"; PolyPhen-2: "Possibly Damaging"; Align-GVGD: "Class C0"). In summary, the available evidence is currently insufficient to determine the role of this variant in disease. Therefore, it has been classified as a Variant of Uncertain Significance.

NM_024652.6(LRRK1):c.5953G>A (p.Val1985Ile)

Genes: LRRK1 (leucine rich repeat kinase 1; plus strand), LRRK1-AS1 (LRRK1 antisense RNA 1; minus strand). Cytogenetic location: 15q26.3.
Variant type: single nucleotide variant.
Coding change: c.5953G>A on transcript NM_024652.6 (MANE Select); coding-DNA position 5953, G replaced by A.
Protein change: p.Val1985Ile; replaces valine 1985 with isoleucine.
Molecular consequence: missense variant.
Genome position (GRCh38, 1-based): chr15:101,068,753, G>A. VCF-style: chr15-101068753-G-A. GRCh37 (hg19) VCF-style: chr15-101608958-G-A.
Other names: short protein forms V1985I.
Identifiers: ClinVar variation 1520116 (VCV001520116.5), dbSNP rs200452795, ClinGen allele CA7762313.
Genomic context (GRCh38, chr15:101,068,753, plus strand): 5'-GTGGCAAAGGACACTGTTGTGTGCACCTTTGAAAATGAAAACACAGAGTGGTGCCTGGCC[G>A]TCTGGAGGGGCTGGGGCGCCAGGGAGTTCGACATTTTCTACCAGTCCTACGAGGAGCTGG-3'
Protein context (NP_078928.3, residues 1975-1995): ENENTEWCLA[Val1985Ile]WRGWGAREFD